The following is an entry in ClinVar:

ClinVar aggregate classification (germline): Uncertain significance. Review status: criteria provided, multiple submitters, no conflicts (2 of 4 stars). 2 submissions from 2 submitters: Uncertain significance (2). Last evaluated 2024-06-11.

Allele frequency attached by ClinVar (database versions not stated): gnomAD exomes below 0.00001; TOPMed 0.00001.
gnomAD v4.1: 3 of 1,613,880 alleles (0.00019%); highest among the groups gnomAD compares: East Asian, 0.0022%; no homozygotes.

Submissions (2):

Blueprint Genetics
Classification: Uncertain significance. Last evaluated: 2024-06-11. Review status: criteria provided, single submitter. Criteria: ACMG Guidelines, 2015. Collection method: clinical testing. Allele origin: germline.

Labcorp Genetics (formerly Invitae), Labcorp
Classification: Uncertain significance. Last evaluated: 2022-09-27. Review status: criteria provided, single submitter. Criteria: Invitae Variant Classification Sherloc (09022015). Collection method: clinical testing. Allele origin: germline.
Comment: This sequence change replaces aspartic acid, which is acidic and polar, with asparagine, which is neutral and polar, at codon 1782 of the LRP2 protein (p.Asp1782Asn). This variant is not present in population databases (gnomAD no frequency). This variant has not been reported in the literature in individuals affected with LRP2-related conditions. ClinVar contains an entry for this variant (Variation ID: 1440133). Algorithms developed to predict the effect of missense changes on protein structure and function (SIFT, PolyPhen-2, Align-GVGD) all suggest that this variant is likely to be tolerated. In summary, the available evidence is currently insufficient to determine the role of this variant in disease. Therefore, it has been classified as a Variant of Uncertain Significance.

NM_004525.3(LRP2):c.5344G>A (p.Asp1782Asn)

Gene: LRP2 (LDL receptor related protein 2; minus strand). Cytogenetic location: 2q31.1.
Variant type: single nucleotide variant.
Coding change: c.5344G>A on transcript NM_004525.3 (MANE Select); coding-DNA position 5344, G replaced by A.
Protein change: p.Asp1782Asn; replaces aspartic acid 1782 with asparagine.
Molecular consequence: missense variant.
Genome position (GRCh38, 1-based): chr2:169,226,472, C>T on the plus strand (G>A on the coding strand, the complement: LRP2 is on the minus strand). VCF-style: chr2-169226472-C-T. GRCh37 (hg19) VCF-style: chr2-170082982-C-T.
Other names: short protein forms D1782N.
Identifiers: ClinVar variation 1440133 (VCV001440133.6), dbSNP rs1236567582, ClinGen allele CA349139463.